The following is an entry in ClinVar:

ClinVar aggregate classification (germline): Uncertain significance (1 of 4 stars; one submission).

Submission:

CeGaT Center for Human Genetics Tuebingen
Classification: Uncertain significance. Last evaluated: 2022-06-01. Review status: criteria provided, single submitter. Criteria: CeGaT Center For Human Genetics Tuebingen Variant Classification Criteria Version 2. Collection method: clinical testing. Allele origin: germline. Affected: yes. Observed: 1 variant allele.
Comment: SNTA1: PM2

NM_003098.3(SNTA1):c.225dup (p.Gln76fs)

Gene: SNTA1 (syntrophin alpha 1; minus strand). Cytogenetic location: 20q11.21.
Variant type: Duplication.
Coding change: c.225dup on transcript NM_003098.3 (MANE Select); coding-DNA position 225, one base duplicated (G; older notation c.225dupG).
Protein change: p.Gln76fs; shifts the reading frame from glutamine 76.
Molecular consequence: frameshift variant.
Genome position (GRCh38, 1-based): chr20:33,443,396, C duplicated on the plus strand (G on the coding strand, the reverse complement: SNTA1 is on the minus strand). VCF-style (leftmost placement, unchanged base first): chr20-33443395-G-GC. GRCh37 (hg19) VCF-style: chr20-32031201-G-GC.
Other names: c.225dup, p.Gln76fs (NM_001424413.1, NM_001424414.1); short protein forms Q76fs.
Identifiers: ClinVar variation 2652266 (VCV002652266.24), dbSNP rs2515129874, ClinGen allele CA2695201396.